The following is an entry in ClinVar:

ClinVar aggregate classification (germline): Uncertain significance (1 of 4 stars; one submission).

Submission:

Labcorp Genetics (formerly Invitae), Labcorp
Classification: Uncertain significance. Last evaluated: 2022-09-25. Review status: criteria provided, single submitter. Criteria: Invitae Variant Classification Sherloc (09022015). Collection method: clinical testing. Allele origin: germline.
Comment: This variant has not been reported in the literature in individuals affected with GUF1-related conditions. Algorithms developed to predict the effect of missense changes on protein structure and function (SIFT, PolyPhen-2, Align-GVGD) all suggest that this variant is likely to be tolerated. In summary, the available evidence is currently insufficient to determine the role of this variant in disease. Therefore, it has been classified as a Variant of Uncertain Significance. This variant is not present in population databases (gnomAD no frequency). This sequence change replaces alanine, which is neutral and non-polar, with glutamic acid, which is acidic and polar, at codon 33 of the GUF1 protein (p.Ala33Glu).

NM_021927.3(GUF1):c.98C>A (p.Ala33Glu)

Genes: GUF1 (GTP binding elongation factor GUF1; plus strand), LOC129992541 (ATAC-STARR-seq lymphoblastoid silent region 15397; plus strand). Cytogenetic location: 4p12.
Variant type: single nucleotide variant.
Coding change: c.98C>A on transcript NM_021927.3 (MANE Select); coding-DNA position 98, C replaced by A.
Protein change: p.Ala33Glu; replaces alanine 33 with glutamic acid.
Molecular consequence: missense variant. On other transcripts: 5 prime UTR variant (2).
Genome position (GRCh38, 1-based): chr4:44,678,720, C>A. VCF-style: chr4-44678720-C-A. GRCh37 (hg19) VCF-style: chr4-44680737-C-A.
Other names: c.-871C>A (NM_001345867.2); c.98C>A, p.Ala33Glu (NM_001345868.2); c.-763C>A (NM_001345869.2); short protein forms A33E.
Identifiers: ClinVar variation 2131684 (VCV002131684.4), dbSNP rs1337374314, ClinGen allele CA356759968.